The following is an entry in ClinVar:

ClinVar aggregate classification (germline): Uncertain significance (1 of 4 stars; one submission).

Conditions:
Acromesomelic dysplasia 1, Maroteaux type (AMD1). Also called: ST. HELENA DYSPLASIA; ACROMESOMELIC DYSPLASIA 1. Identifiers: Orphanet 40, MedGen C1864356, MONDO:0011275, OMIM 602875.
Tall stature-scoliosis-macrodactyly of the great toes syndrome. Also called: Epiphyseal chondrodysplasia, miura type. Identifiers: Orphanet 329191, MedGen C4014690, MONDO:0014401, OMIM 615923.

Allele frequency attached by ClinVar (database versions not stated): gnomAD exomes 0.00001; ExAC 0.00002.
gnomAD v4.1: 7 of 1,612,842 alleles (0.00043%); highest among the groups gnomAD compares: Non-Finnish European, 0.00059%; no homozygotes.

Submission:

Labcorp Genetics (formerly Invitae), Labcorp
Classification: Uncertain significance for Tall stature-scoliosis-macrodactyly of the great toes syndrome; Acromesomelic dysplasia 1, Maroteaux type. Last evaluated: 2023-09-17. Review status: criteria provided, single submitter. Criteria: Invitae Variant Classification Sherloc (09022015). Collection method: clinical testing. Allele origin: germline.
Comment: In summary, the available evidence is currently insufficient to determine the role of this variant in disease. Therefore, it has been classified as a Variant of Uncertain Significance. Variants that disrupt the consensus splice site are a relatively common cause of aberrant splicing (PMID: 17576681, 9536098). Algorithms developed to predict the effect of sequence changes on RNA splicing suggest that this variant is not likely to affect RNA splicing. ClinVar contains an entry for this variant (Variation ID: 1516339). This variant has not been reported in the literature in individuals affected with NPR2-related conditions. This variant is present in population databases (rs747319842, gnomAD 0.003%). This sequence change falls in intron 4 of the NPR2 gene. It does not directly change the encoded amino acid sequence of the NPR2 protein. It affects a nucleotide within the consensus splice site.

Literature cited by the submitters: PubMed 17576681; PubMed 9536098.

NM_003995.4(NPR2):c.1123+5T>A

Gene: NPR2 (natriuretic peptide receptor 2; plus strand). Cytogenetic location: 9p13.3.
Variant type: single nucleotide variant.
Coding change: c.1123+5T>A on transcript NM_003995.4 (MANE Select); 5 bases into the intron after coding-DNA position 1123, T replaced by A.
Molecular consequence: intron variant.
Genome position (GRCh38, 1-based): chr9:35,800,162, T>A. VCF-style: chr9-35800162-T-A. GRCh37 (hg19) VCF-style: chr9-35800159-T-A.
Other names: c.1123+5T>A (NM_001378923.1).
Identifiers: ClinVar variation 1516339 (VCV001516339.6), dbSNP rs747319842, ClinGen allele CA5051609.